The following is an entry in ClinVar:

NM_002386.4(MC1R):c.733A>C (p.Ile245Leu)

Gene: MC1R (melanocortin 1 receptor; plus strand). Cytogenetic location: 16q24.3.
Variant type: single nucleotide variant.
Coding change: c.733A>C on transcript NM_002386.4 (MANE Select); coding-DNA position 733, A replaced by C.
Protein change: p.Ile245Leu; replaces isoleucine 245 with leucine.
Molecular consequence: missense variant.
Genome position (GRCh38, 1-based): chr16:89,919,991, A>C. VCF-style: chr16-89919991-A-C. GRCh37 (hg19) VCF-style: chr16-89986399-A-C.
Other names: short protein forms I245L.
Identifiers: ClinVar variation 3693625 (VCV003693625.2).

ClinVar aggregate classification (germline): Uncertain significance (1 of 4 stars; one submission).

Conditions:
Melanoma, cutaneous malignant, susceptibility to, 5. Also called: Cutaneous malignant melanoma 5. Identifiers: Orphanet 618, MedGen C2751295, MONDO:0013133, OMIM 613099.

Submission:

Labcorp Genetics (formerly Invitae), Labcorp
Classification: Uncertain significance for Melanoma, cutaneous malignant, susceptibility to, 5. Last evaluated: 2024-10-08. Review status: criteria provided, single submitter. Criteria: Invitae Variant Classification Sherloc (09022015). Collection method: clinical testing. Allele origin: germline.
Comment: This sequence change replaces isoleucine, which is neutral and non-polar, with leucine, which is neutral and non-polar, at codon 245 of the MC1R protein (p.Ile245Leu). This variant is not present in population databases (gnomAD no frequency). This variant has not been reported in the literature in individuals affected with MC1R-related conditions. Invitae Evidence Modeling of protein sequence and biophysical properties (such as structural, functional, and spatial information, amino acid conservation, physicochemical variation, residue mobility, and thermodynamic stability) indicates that this missense variant is not expected to disrupt MC1R protein function with a negative predictive value of 80%. In summary, the available evidence is currently insufficient to determine the role of this variant in disease. Therefore, it has been classified as a Variant of Uncertain Significance.